The following is an entry in ClinVar:

NM_006231.4(POLE):c.2387A>C (p.Asn796Thr)

Gene: POLE (DNA polymerase epsilon, catalytic subunit; minus strand). Cytogenetic location: 12q24.33.
Variant type: single nucleotide variant.
Coding change: c.2387A>C on transcript NM_006231.4 (MANE Select); coding-DNA position 2387, A replaced by C.
Protein change: p.Asn796Thr; replaces asparagine 796 with threonine.
Molecular consequence: missense variant.
Genome position (GRCh38, 1-based): chr12:132,665,383, T>G on the plus strand (A>C on the coding strand, the complement: POLE is on the minus strand). VCF-style: chr12-132665383-T-G. GRCh37 (hg19) VCF-style: chr12-133241969-T-G.
Other names: c.2387A>C (NM_006231.2); short protein forms N796T.
Identifiers: ClinVar variation 2986275 (VCV002986275.4), dbSNP rs2542074339, ClinGen allele CA387397452.

ClinVar aggregate classification (germline): Uncertain significance. Review status: criteria provided, multiple submitters, no conflicts (2 of 4 stars). 2 submissions from 2 submitters: Uncertain significance (2). Last evaluated 2025-05-31.

Conditions:
Hereditary cancer-predisposing syndrome. Also called: Tumor predisposition; Hereditary neoplastic syndrome; Hereditary Cancer Syndrome; Neoplastic Syndromes, Hereditary. Identifiers: Orphanet 140162, MedGen C0027672, MeSH D009386, MONDO:0015356.

Submissions (2):

Ambry Genetics
Classification: Uncertain significance for Hereditary cancer-predisposing syndrome. Last evaluated: 2025-05-31. Review status: criteria provided, single submitter. Criteria: Ambry Variant Classification Scheme 2023. Collection method: clinical testing. Allele origin: germline.
Comment: The p.N796T variant (also known as c.2387A>C), located in coding exon 21 of the POLE gene, results from an A to C substitution at nucleotide position 2387. The asparagine at codon 796 is replaced by threonine, an amino acid with similar properties. This amino acid position is conserved. In addition, this alteration is predicted to be tolerated by in silico analysis. Based on the available evidence, the clinical significance of this variant remains unclear.

Labcorp Genetics (formerly Invitae), Labcorp
Classification: Uncertain significance. Last evaluated: 2024-01-02. Review status: criteria provided, single submitter. Criteria: Invitae Variant Classification Sherloc (09022015). Collection method: clinical testing. Allele origin: germline.
Comment: This sequence change replaces asparagine, which is neutral and polar, with threonine, which is neutral and polar, at codon 796 of the POLE protein (p.Asn796Thr). This variant is not present in population databases (gnomAD no frequency). This variant has not been reported in the literature in individuals affected with POLE-related conditions. Advanced modeling of protein sequence and biophysical properties (such as structural, functional, and spatial information, amino acid conservation, physicochemical variation, residue mobility, and thermodynamic stability) performed at Invitae indicates that this missense variant is not expected to disrupt POLE protein function with a negative predictive value of 80%. In summary, the available evidence is currently insufficient to determine the role of this variant in disease. Therefore, it has been classified as a Variant of Uncertain Significance.